The following is an entry in ClinVar:

ClinVar aggregate classification (germline): Benign. Review status: criteria provided, multiple submitters, no conflicts (2 of 4 stars). 3 submissions from 3 submitters: Benign (2). 1 of the submissions does not count toward it. Last evaluated 2016-03-28.

Conditions:
FCGR2A-related disorder. Also called: FCGR2A-related condition.

Allele frequency attached by ClinVar (database versions not stated): 1000 Genomes Project 0.06649; 1000 Genomes Project 30x 0.06839; gnomAD 0.10116 and 0.10243; TOPMed 0.10238; ExAC 0.10756; gnomAD exomes 0.10794 and 0.11603; ESP Exome Variant Server 0.10956.
gnomAD v4.1: 185,130 of 1,613,706 alleles (11%); highest among the groups gnomAD compares: Middle Eastern, 20%; 11,811 homozygotes.

Submissions (3):

Laboratory for Molecular Medicine, Mass General Brigham Personalized Medicine
Classification: Benign. Last evaluated: 2016-03-28. Review status: criteria provided, single submitter. Criteria: LMM Criteria. Collection method: clinical testing. Allele origin: germline.
Comment: Variant identified in a genome or exome case(s) and assessed due to predicted null impact of the variant or pathogenic assertions in the literature or databases. Disclaimer: This variant has not undergone full assessment. The following are preliminary notes: Frequency

Breakthrough Genomics
Classification: Benign. Review status: criteria provided, single submitter. Criteria: ACMG Guidelines, 2015. Collection method: not provided. Allele origin: germline. Inheritance: Autosomal recessive inheritance. Affected: yes.

PreventionGenetics, part of Exact Sciences
Classification: Benign for FCGR2A-related condition. Last evaluated: 2019-10-21. Review status: no assertion criteria provided. Collection method: clinical testing. Allele origin: germline. Not counted in ClinVar's aggregate classification.
Comment: This variant is classified as benign based on ACMG/AMP sequence variant interpretation guidelines (Richards et al. 2015 PMID: 25741868, with internal and published modifications).

NM_001136219.3(FCGR2A):c.188A>G (p.Gln63Arg)

Gene: FCGR2A (Fc gamma receptor IIa; plus strand). Cytogenetic location: 1q23.3.
Variant type: single nucleotide variant.
Coding change: c.188A>G on transcript NM_001136219.3 (MANE Select); coding-DNA position 188, A replaced by G.
Protein change: p.Gln63Arg; replaces glutamine 63 with arginine.
Molecular consequence: missense variant.
Genome position (GRCh38, 1-based): chr1:161,506,415, A>G. VCF-style: chr1-161506415-A-G. GRCh37 (hg19) VCF-style: chr1-161476205-A-G.
Other names: c.188A>G, p.Gln63Arg (NM_001375296.1); c.185A>G, p.Gln62Arg (NM_001375297.1, NM_021642.5); c.185A>G (NM_021642.3); short protein forms Q62R, Q63R.
Identifiers: ClinVar variation 402850 (VCV000402850.7), dbSNP rs9427398, ClinGen allele CA1210559.
Genomic context (GRCh38, chr1:161,506,415, plus strand): 5'-TGAAACTTGAGCCCCCGTGGATCAACGTGCTCCAGGAGGACTCTGTGACTCTGACATGCC[A>G]GGGGGCTCGCAGCCCTGAGAGCGACTCCATTCAGTGGTTCCACAATGGGAATCTCATTCC-3'
Protein context (NP_001129691.1, residues 53-73): LQEDSVTLTC[Gln63Arg]GARSPESDSI